The following is an entry in ClinVar:

ClinVar aggregate classification (germline): Uncertain significance. Review status: criteria provided, multiple submitters, no conflicts (2 of 4 stars). 5 submissions from 5 submitters: Uncertain significance (5). Last evaluated 2025-08-11.

Conditions:
Deafness-lymphedema-leukemia syndrome. Also called: Lymphedema, primary, with myelodysplasia; Emberger syndrome. Identifiers: Orphanet 3226, MedGen C3279664, MONDO:0013540, OMIM 614038.
Acute myeloid leukemia (AML). Also called: Acute myeloid leukemia, adult; AML adult; Acute non-lymphocytic leukemia; Acute granulocytic leukemia; Leukemia, acute myeloid, somatic; Leukemia, acute myelogenous, somatic. Identifiers: Orphanet 519, MedGen C0023467, MeSH D015470, MONDO:0018874, OMIM 601626, HP:0004808. Disease mechanism: Constitutively activated FLT3.
Monocytopenia with susceptibility to infections. Also called: MONOCYTOPENIA AND MYCOBACTERIAL INFECTION SYNDROME; MONOCYTOPENIA WITH SUSCEPTIBILITY TO MYCOBACTERIAL, FUNGAL, AND PAPILLOMAVIRUS INFECTIONS AND MYELODYSPLASIA; COMBINED IMMUNODEFICIENCY WITH SUSCEPTIBILITY TO MYCOBACTERIAL, VIRAL, AND FUNGAL INFECTIONS; Dendritic cell, monocyte, B lymphocyte, and natural killer lymphocyte deficiency; IMMUNODEFICIENCY 21; GATA2 DEFICIENCY. Identifiers: Orphanet 228423, MedGen C3280030, MONDO:0013607, OMIM 614172.
Myelodysplastic syndrome (MDS). Also called: MYELODYSPLASTIC SYNDROME, SUSCEPTIBILITY TO; Myelodysplastic syndrome, somatic; Myelodysplastic syndromes. Identifiers: Orphanet 52688, MedGen C3463824, MeSH D009190, MONDO:0018881, OMIM 614286.
Inborn genetic diseases. Identifiers: MedGen C0950123, MeSH D030342.

Allele frequency attached by ClinVar (database versions not stated): gnomAD 0.00001; TOPMed 0.00001.

Submissions (5):

Labcorp Genetics (formerly Invitae), Labcorp
Classification: Uncertain significance for Monocytopenia with susceptibility to infections; Deafness-lymphedema-leukemia syndrome. Last evaluated: 2025-08-11. Review status: criteria provided, single submitter. Criteria: Invitae Variant Classification Sherloc (09022015). Collection method: clinical testing. Allele origin: germline.
Comment: This sequence change replaces threonine, which is neutral and polar, with methionine, which is neutral and non-polar, at codon 124 of the GATA2 protein (p.Thr124Met). This variant is present in population databases (no rsID available, gnomAD 0.007%). This variant has not been reported in the literature in individuals affected with GATA2-related conditions. ClinVar contains an entry for this variant (Variation ID: 861292). Invitae Evidence Modeling of protein sequence and biophysical properties (such as structural, functional, and spatial information, amino acid conservation, physicochemical variation, residue mobility, and thermodynamic stability) has been performed for this missense variant. However, the output from this modeling did not meet the statistical confidence thresholds required to predict the impact of this variant on GATA2 protein function. In summary, the available evidence is currently insufficient to determine the role of this variant in disease. Therefore, it has been classified as a Variant of Uncertain Significance.

Dasa
Classification: Uncertain significance. Last evaluated: 2025-07-28. Review status: criteria provided, single submitter. Criteria: DASA Assertion Criteria. Collection method: clinical testing. Allele origin: germline.
Comment: NM_032638.5(GATA2):c.371C>T (p.Thr124Met) is a missense variant that results in the substitution of threonine with methionine. This variant is rare in population databases. The currently available literature and clinical evidence are not sufficient to establish a definitive association between this variant and the reported condition. Therefore, this variant is classified as a variant of uncertain significance.

Ambry Genetics
Classification: Uncertain significance for Inborn genetic diseases. Last evaluated: 2025-03-19. Review status: criteria provided, single submitter. Criteria: Ambry Variant Classification Scheme 2023. Collection method: clinical testing. Allele origin: germline.
Comment: The p.T124M variant (also known as c.371C>T), located in coding exon 2 of the GATA2 gene, results from a C to T substitution at nucleotide position 371. The threonine at codon 124 is replaced by methionine, an amino acid with similar properties. This amino acid position is not well conserved in available vertebrate species. In addition, the in silico prediction for this alteration is inconclusive. Based on the available evidence, the clinical significance of this variant remains unclear.

Fulgent Genetics
Classification: Uncertain significance for Acute myeloid leukemia; Deafness-lymphedema-leukemia syndrome; Monocytopenia with susceptibility to infections; Myelodysplastic syndrome. Last evaluated: 2024-05-14. Review status: criteria provided, single submitter. Criteria: ACMG Guidelines, 2015. Collection method: clinical testing. Allele origin: germline.

St. Jude Molecular Pathology, St. Jude Children's Research Hospital
Classification: Uncertain significance for Myelodysplastic syndrome. Last evaluated: 2022-08-10. Review status: criteria provided, single submitter. Criteria: St. Jude Assertion Criteria 2020. Collection method: clinical testing. Allele origin: germline.
Comment: The GATA2 c.371C>T (p.Thr124Met) missense change has a maximum subpopulation frequency of 0.0065% in gnomAD v2.1.1. The in silico tool REVEL is inconclusive about a pathogenic or benign effect of this variant on protein function, and to our knowledge functional studies have not been performed. To our knowledge, this variant has not been reported in individuals presenting with GATA2-associated clinical phenotypes. In summary, the evidence currently available is insufficient to determine the clinical significance of this variant. It has therefore been classified as of uncertain significance.

NM_032638.5(GATA2):c.371C>T (p.Thr124Met)

Gene: GATA2 (GATA binding protein 2; minus strand). Cytogenetic location: 3q21.3.
Variant type: single nucleotide variant.
Coding change: c.371C>T on transcript NM_032638.5 (MANE Select); coding-DNA position 371, C replaced by T.
Protein change: p.Thr124Met; replaces threonine 124 with methionine.
Molecular consequence: missense variant.
Genome position (GRCh38, 1-based): chr3:128,486,227, G>A on the plus strand (C>T on the coding strand, the complement: GATA2 is on the minus strand). VCF-style: chr3-128486227-G-A. GRCh37 (hg19) VCF-style: chr3-128205070-G-A.
Other names: c.371C>T, p.Thr124Met (NM_001145661.2, NM_001145662.1); short protein forms T124M.
Identifiers: ClinVar variation 861292 (VCV000861292.16), dbSNP rs569301892, ClinGen allele CA354407061.
Genomic context (GRCh38, chr3:128,486,227, plus strand): 5'-GCCCCTGGGTACACAGAGAGTGGGCCTCCAGGGCCTCCAGCAGCTGAGGGGTGCAGTGGC[G>A]TCTTGGAGAAGGGGCTCACGGTCCAGGGGTTGTGGTGGTGGGCCGCAGCGGCAGAGAGGG-3'
Protein context (NP_116027.2, residues 114-134): NPWTVSPFSK[Thr124Met]PLHPSAAGGP